The following is an entry in ClinVar:

ClinVar aggregate classification (germline): Pathogenic/Likely pathogenic. Review status: criteria provided, multiple submitters, no conflicts (2 of 4 stars). 3 submissions from 3 submitters: Pathogenic (2); Likely pathogenic (1). Last evaluated 2025-09-26.

Conditions:
MYO15A-related disorder. Also called: MYO15A-related condition.
Autosomal recessive nonsyndromic hearing loss 3. Also called: NEUROSENSORY NONSYNDROMIC RECESSIVE DEAFNESS 3. Identifiers: Orphanet 90636, MedGen C1838263, MONDO:0010860, OMIM 600316.

gnomAD v4.1: 10 of 1,613,846 alleles (0.00062%); highest among the groups gnomAD compares: Non-Finnish European, 0.00068%; no homozygotes.

Submissions (3):

Women's Health and Genetics/Laboratory Corporation of America, LabCorp
Classification: Pathogenic for Autosomal recessive nonsyndromic hearing loss 3. Last evaluated: 2025-09-26. Review status: criteria provided, single submitter. Criteria: LabCorp Variant Classification Summary - May 2015. Collection method: clinical testing. Allele origin: germline.
Comment: Variant summary: MYO15A c.8296C>T (p.Arg2766X) results in a premature termination codon, predicted to cause a truncation of the encoded protein or absence of the protein due to nonsense mediated decay, which are commonly known mechanisms for disease. The variant allele was found at a frequency of 8e-06 in 249114 control chromosomes. To our knowledge, no occurrence of c.8296C>T in individuals affected with MYO15A-related conditions and no experimental evidence demonstrating its impact on protein function have been reported. No submitters have cited clinical-significance assessments for this variant to ClinVar. Based on the evidence outlined above, the variant was classified as pathogenic.

Labcorp Genetics (formerly Invitae), Labcorp
Classification: Pathogenic. Last evaluated: 2025-05-22. Review status: criteria provided, single submitter. Criteria: Invitae Variant Classification Sherloc (09022015). Collection method: clinical testing. Allele origin: germline.
Comment: This sequence change creates a premature translational stop signal (p.Arg2766*) in the MYO15A gene. It is expected to result in an absent or disrupted protein product. Loss-of-function variants in MYO15A are known to be pathogenic (PMID: 17546645). This variant is present in population databases (rs756973921, gnomAD 0.002%). This variant has not been reported in the literature in individuals affected with MYO15A-related conditions. Algorithms developed to predict the effect of sequence changes on RNA splicing suggest that this variant may disrupt the consensus splice site. For these reasons, this variant has been classified as Pathogenic.

Blueprint Genetics
Classification: Likely pathogenic for MYO15A-related disorders. Last evaluated: 2019-02-14. Review status: criteria provided, single submitter. Criteria: ACMG Guidelines, 2015. Collection method: clinical testing. Allele origin: germline. Affected: yes. Observed: 1 variant allele.

Literature cited by the submitters: PubMed 17546645 (cited by Labcorp Genetics (formerly Invitae), Labcorp).

NM_016239.4(MYO15A):c.8296C>T (p.Arg2766Ter)

Gene: MYO15A (myosin XVA; plus strand). Cytogenetic location: 17p11.2.
Variant type: single nucleotide variant.
Coding change: c.8296C>T on transcript NM_016239.4 (MANE Select); coding-DNA position 8296, C replaced by T.
Protein change: p.Arg2766Ter; replaces arginine 2766 with a stop codon.
Molecular consequence: nonsense.
Genome position (GRCh38, 1-based): chr17:18,155,181, C>T. VCF-style: chr17-18155181-C-T. GRCh37 (hg19) VCF-style: chr17-18058495-C-T.
Other names: short protein forms R2766*.
Identifiers: ClinVar variation 4535940 (VCV004535940.3).